The following is an entry in ClinVar:

NC_000022.10:g.(?_19747167)_(20052185_?)dup

Genes: ARVCF (ARVCF delta catenin family member; minus strand), COMT (catechol-O-methyltransferase; plus strand), GNB1L (G protein subunit beta 1 like; minus strand), RTL10 (retrotransposon Gag like 10; minus strand), TANGO2 (transport and golgi organization 2 homolog; plus strand) and 2 more. Cytogenetic location: 22q11.21.
Variant type: Duplication.
Identifiers: ClinVar variation 3246993 (VCV003246993.1).

ClinVar aggregate classification (germline): Uncertain significance (1 of 4 stars; one submission).

Conditions:
Primary dilated cardiomyopathy (DCM). Also called: Dilated Cardiomyopathy. Identifiers: Orphanet 217604, MedGen C0007193, MeSH D002311, MONDO:0005021, HP:0001644. Inheritance: Various modes of inheritance.

Submission:

Labcorp Genetics (formerly Invitae), Labcorp
Classification: Uncertain significance for Primary dilated cardiomyopathy. Last evaluated: 2024-01-20. Review status: criteria provided, single submitter. Criteria: Invitae Variant Classification Sherloc (09022015). Collection method: clinical testing. Allele origin: unknown.
Comment: A copy number gain of the genomic region encompassing the full coding sequence of the TXNRD2 gene has been identified. The boundaries of this event are unknown as they extend beyond the assayed region for this gene and therefore may encompass additional genes. As the precise location of this event is unknown, it may be in tandem or it may be located elsewhere in the genome. This variant has not been reported in the literature in individuals affected with TXNRD2-related conditions. In summary, the available evidence is currently insufficient to determine the role of this variant in disease. Therefore, it has been classified as a Variant of Uncertain Significance.